The following is an entry in ClinVar:

ClinVar aggregate classification (germline): Uncertain significance (1 of 4 stars; one submission).

Conditions:
Hereditary nonpolyposis colorectal neoplasms. Identifiers: MedGen C0009405, MeSH D003123.

Allele frequency attached by ClinVar (database versions not stated): gnomAD exomes below 0.00001.
gnomAD v4.1: 1 of 1,614,112 alleles (0.000062%); highest among the groups gnomAD compares: East Asian, 0.0022%; no homozygotes.

Submission:

Labcorp Genetics (formerly Invitae), Labcorp
Classification: Uncertain significance for Hereditary nonpolyposis colorectal neoplasms. Last evaluated: 2020-10-19. Review status: criteria provided, single submitter. Criteria: Invitae Variant Classification Sherloc (09022015). Collection method: clinical testing. Allele origin: germline.
Comment: In summary, the available evidence is currently insufficient to determine the role of this variant in disease. Therefore, it has been classified as a Variant of Uncertain Significance. Advanced modeling of protein sequence and biophysical properties (such as structural, functional, and spatial information, amino acid conservation, physicochemical variation, residue mobility, and thermodynamic stability) performed at Invitae indicates that this missense variant is expected to disrupt MSH6 protein function. This variant has not been reported in the literature in individuals with MSH6-related conditions. This variant is not present in population databases (ExAC no frequency). This sequence change replaces glycine with arginine at codon 162 of the MSH6 protein (p.Gly162Arg). The glycine residue is highly conserved and there is a moderate physicochemical difference between glycine and arginine.

NM_000179.3(MSH6):c.484G>A (p.Gly162Arg)

Gene: MSH6 (mutS homolog 6; plus strand). Cytogenetic location: 2p16.3.
Variant type: single nucleotide variant.
Coding change: c.484G>A on transcript NM_000179.3 (MANE Select); coding-DNA position 484, G replaced by A.
Protein change: p.Gly162Arg; replaces glycine 162 with arginine.
Molecular consequence: missense variant. On other transcripts: 5 prime UTR variant (1), intron variant (2).
Genome position (GRCh38, 1-based): chr2:47,795,920, G>A. VCF-style: chr2-47795920-G-A. GRCh37 (hg19) VCF-style: chr2-48023059-G-A.
Other names: c.-419G>A (NM_001281494.2); c.-279-2691G>A (NM_001281493.2); c.238-2691G>A (NM_001281492.2); short protein forms G162R.
Identifiers: ClinVar variation 1005217 (VCV001005217.9), dbSNP rs1183989693, ClinGen allele CA346738614.